The following is an entry in ClinVar:

ClinVar aggregate classification (germline): Benign/Likely benign. Review status: criteria provided, multiple submitters, no conflicts (2 of 4 stars). 4 submissions from 4 submitters: Benign (1); Likely benign (3). Last evaluated 2025-11-24.

Conditions:
Hereditary cancer-predisposing syndrome. Also called: Tumor predisposition; Hereditary Cancer Syndrome; Hereditary neoplastic syndrome; Neoplastic Syndromes, Hereditary. Identifiers: Orphanet 140162, MedGen C0027672, MeSH D009386, MONDO:0015356.
Peutz-Jeghers syndrome (PJS). Also called: POLYPOSIS, HAMARTOMATOUS INTESTINAL; POLYPS-AND-SPOTS SYNDROME; Peutz-Jeghers polyposis; Periorificial lentiginosis syndrome. Identifiers: Orphanet 2869, MedGen C0031269, MeSH D010580, MONDO:0008280, OMIM 175200.

Allele frequency attached by ClinVar (database versions not stated): TOPMed below 0.00001; gnomAD exomes 0.00001.
gnomAD v4.1: 3 of 1,600,824 alleles (0.00019%); highest among the groups gnomAD compares: Admixed American, 0.0034%; no homozygotes.

Submissions (4):

Labcorp Genetics (formerly Invitae), Labcorp
Classification: Likely benign for Peutz-Jeghers syndrome. Last evaluated: 2025-11-24. Review status: criteria provided, single submitter. Criteria: Invitae Variant Classification Sherloc (09022015). Collection method: clinical testing. Allele origin: germline.

Myriad Genetics, Inc.
Classification: Benign for Peutz-Jeghers syndrome. Last evaluated: 2025-03-26. Review status: criteria provided, single submitter. Criteria: Myriad Autosomal Dominant, Autosomal Recessive and X-Linked Classification Criteria (2023). Collection method: clinical testing. Allele origin: unknown.
Comment: This variant is considered benign. This variant is a silent/synonymous amino acid change and it is not expected to impact splicing.

Color Diagnostics, LLC DBA Color Health
Classification: Likely benign for Hereditary cancer-predisposing syndrome. Last evaluated: 2018-02-16. Review status: criteria provided, single submitter. Criteria: ACMG Guidelines, 2015. Collection method: clinical testing. Allele origin: germline.

Ambry Genetics
Classification: Likely benign for Hereditary cancer-predisposing syndrome. Last evaluated: 2017-07-28. Review status: criteria provided, single submitter. Criteria: Ambry Variant Classification Scheme 2023. Collection method: clinical testing. Allele origin: germline.

NM_000455.5(STK11):c.468C>T (p.Tyr156=)

Gene: STK11 (serine/threonine kinase 11; plus strand). Cytogenetic location: 19p13.3.
Variant type: single nucleotide variant.
Coding change: c.468C>T on transcript NM_000455.5 (MANE Select); coding-DNA position 468, C replaced by T.
Protein change: p.Tyr156=; no amino-acid change (tyrosine 156 retained).
Molecular consequence: synonymous variant.
Genome position (GRCh38, 1-based): chr19:1,220,376, C>T. VCF-style: chr19-1220376-C-T. GRCh37 (hg19) VCF-style: chr19-1220375-C-T.
Identifiers: ClinVar variation 184235 (VCV000184235.17), dbSNP rs786201349, ClinGen allele CA023039.